The following is an entry in ClinVar:

ClinVar aggregate classification (germline): Uncertain significance (1 of 4 stars; one submission).

Conditions:
Frontotemporal dementia and/or amyotrophic lateral sclerosis 6 (FTDALS6). Also called: VCP-Related Amyotrophic Lateral Sclerosis; VCP-Related Amyotrophic Lateral Sclerosis/Frontotemporal Dementia. Identifiers: Orphanet 275872, Orphanet 803, MedGen C5436279, MONDO:0013501, OMIM 613954.
Inclusion body myopathy with Paget disease of bone and frontotemporal dementia. Also called: Inclusion body myopathy with early-onset Paget disease and frontotemporal dementia. Identifiers: Orphanet 52430, MedGen C1833662, MONDO:0000507.

Allele frequency attached by ClinVar (database versions not stated): gnomAD exomes below 0.00001; ExAC 0.00001; ESP Exome Variant Server 0.00008.
gnomAD v4.1: 1 of 1,612,784 alleles (0.000062%); highest among the groups gnomAD compares: Non-Finnish European, 0.000085%; no homozygotes.

Submission:

Labcorp Genetics (formerly Invitae), Labcorp
Classification: Uncertain significance for Inclusion body myopathy with Paget disease of bone and frontotemporal dementia; Frontotemporal dementia and/or amyotrophic lateral sclerosis 6. Last evaluated: 2023-06-10. Review status: criteria provided, single submitter. Criteria: Invitae Variant Classification Sherloc (09022015). Collection method: clinical testing. Allele origin: germline.
Comment: In summary, the available evidence is currently insufficient to determine the role of this variant in disease. Therefore, it has been classified as a Variant of Uncertain Significance. Advanced modeling of protein sequence and biophysical properties (such as structural, functional, and spatial information, amino acid conservation, physicochemical variation, residue mobility, and thermodynamic stability) performed at Invitae indicates that this missense variant is not expected to disrupt VCP protein function. This variant has not been reported in the literature in individuals affected with VCP-related conditions. This variant is present in population databases (rs373800909, gnomAD 0.002%). This sequence change replaces glutamic acid, which is acidic and polar, with aspartic acid, which is acidic and polar, at codon 730 of the VCP protein (p.Glu730Asp).

NM_007126.5(VCP):c.2190G>T (p.Glu730Asp)

Gene: VCP (valosin containing protein; minus strand). Cytogenetic location: 9p13.3.
Variant type: single nucleotide variant.
Coding change: c.2190G>T on transcript NM_007126.5 (MANE Select); coding-DNA position 2190, G replaced by T.
Protein change: p.Glu730Asp; replaces glutamic acid 730 with aspartic acid.
Molecular consequence: missense variant.
Genome position (GRCh38, 1-based): chr9:35,057,501, C>A on the plus strand (G>T on the coding strand, the complement: VCP is on the minus strand). VCF-style: chr9-35057501-C-A. GRCh37 (hg19) VCF-style: chr9-35057498-C-A.
Other names: c.2055G>T, p.Glu685Asp (NM_001354927.2, NM_001354928.2); short protein forms E685D, E730D.
Identifiers: ClinVar variation 2953121 (VCV002953121.1), dbSNP rs373800909, ClinGen allele CA5039101.